The following is an entry in ClinVar:

NM_005585.5(SMAD6):c.691C>A (p.Arg231Ser)

Gene: SMAD6 (SMAD family member 6; plus strand). Cytogenetic location: 15q22.31.
Variant type: single nucleotide variant.
Coding change: c.691C>A on transcript NM_005585.5 (MANE Select); coding-DNA position 691, C replaced by A.
Protein change: p.Arg231Ser; replaces arginine 231 with serine.
Molecular consequence: missense variant. On other transcripts: non-coding transcript variant (1).
Genome position (GRCh38, 1-based): chr15:66,703,949, C>A. VCF-style: chr15-66703949-C-A. GRCh37 (hg19) VCF-style: chr15-66996287-C-A.
Other names: short protein forms R231S.
Identifiers: ClinVar variation 2910577 (VCV002910577.3), dbSNP rs1395007983, ClinGen allele CA392950050.

ClinVar aggregate classification (germline): Uncertain significance (1 of 4 stars; one submission).

Conditions:
Aortic valve disease 2 (AOVD2). Identifiers: MedGen C3542024, MONDO:0013902, OMIM 614823.

gnomAD v4.1: 3 of 1,407,514 alleles (0.00021%); highest among the groups gnomAD compares: South Asian, 0.0015%; no homozygotes.

Submission:

Labcorp Genetics (formerly Invitae), Labcorp
Classification: Uncertain significance for Aortic valve disease 2. Last evaluated: 2023-05-11. Review status: criteria provided, single submitter. Criteria: Invitae Variant Classification Sherloc (09022015). Collection method: clinical testing. Allele origin: germline.
Comment: In summary, the available evidence is currently insufficient to determine the role of this variant in disease. Therefore, it has been classified as a Variant of Uncertain Significance. Advanced modeling of protein sequence and biophysical properties (such as structural, functional, and spatial information, amino acid conservation, physicochemical variation, residue mobility, and thermodynamic stability) has been performed at Invitae for this missense variant, however the output from this modeling did not meet the statistical confidence thresholds required to predict the impact of this variant on SMAD6 protein function. This missense change has been observed in individual(s) with radioulnar synostosis (PMID: 34953066). This variant is not present in population databases (gnomAD no frequency). This sequence change replaces arginine, which is basic and polar, with serine, which is neutral and polar, at codon 231 of the SMAD6 protein (p.Arg231Ser).

Literature cited by the submitters: PubMed 34953066.